The following is an entry in ClinVar:

ClinVar aggregate classification (germline): Likely benign. Review status: criteria provided, multiple submitters, no conflicts (2 of 4 stars). 6 submissions from 6 submitters: Likely benign (5). 1 of the submissions does not count toward it. Last evaluated 2026-05-01.

Conditions:
Cardiomyopathy (CMYO). Also called: Cardiomyopathies. Identifiers: Orphanet 167848, MedGen C0878544, MONDO:0004994, HP:0001638. Inheritance: Various modes of inheritance.
RYR2-related disorder. Also called: RYR2-related condition.
Catecholaminergic polymorphic ventricular tachycardia (CVPT). Also called: Catecholamine-induced polymorphic ventricular tachycardia. Identifiers: Orphanet 3286, MedGen C5574922, MONDO:0017990.
Catecholaminergic polymorphic ventricular tachycardia 1. Also called: VENTRICULAR TACHYCARDIA, STRESS-INDUCED POLYMORPHIC 1; VENTRICULAR TACHYCARDIA, CATECHOLAMINERGIC POLYMORPHIC, 1, WITH OR WITHOUT ATRIAL DYSFUNCTION AND/OR DILATED CARDIOMYOPATHY; RYR2-Related Catecholaminergic Polymorphic Ventricular Tachycardia. Identifiers: Orphanet 3286, MedGen C1631597, MONDO:0011484, OMIM 604772.
Cardiovascular phenotype. Identifiers: MedGen CN230736.

Allele frequency attached by ClinVar (database versions not stated): gnomAD 0.00002 and 0.00003; gnomAD exomes 0.00003 and 0.00006; TOPMed 0.00006; ExAC 0.00010; 1000 Genomes Project 30x 0.00016; 1000 Genomes Project 0.00020.
gnomAD v4.1: 55 of 1,613,820 alleles (0.0034%); highest among the groups gnomAD compares: South Asian, 0.02%; no homozygotes.

Submissions (6):

CeGaT Center for Human Genetics Tuebingen
Classification: Likely benign. Last evaluated: 2026-05-01. Review status: criteria provided, single submitter. Criteria: CeGaT Center For Human Genetics Tuebingen Variant Classification Criteria Version 2. Collection method: clinical testing. Allele origin: germline. Affected: yes. Observed: 3 variant alleles.
Comment: RYR2: BP4, BP7

Labcorp Genetics (formerly Invitae), Labcorp
Classification: Likely benign for Catecholaminergic polymorphic ventricular tachycardia 1. Last evaluated: 2025-12-29. Review status: criteria provided, single submitter. Criteria: Invitae Variant Classification Sherloc (09022015). Collection method: clinical testing. Allele origin: germline.

All of Us Research Program, National Institutes of Health
Classification: Likely benign for Catecholaminergic polymorphic ventricular tachycardia. Last evaluated: 2024-02-05. Review status: criteria provided, single submitter. Criteria: ACMG Guidelines, 2015. Collection method: clinical testing. Allele origin: germline. Inheritance: Autosomal dominant inheritance. Observed: 9 variant alleles, 9 heterozygotes.
Comment: This study involves interpretation of variants in research participants for the purpose of population health screening. Participant phenotype was not available at the time of variant classification. Additional details can be found in publication PMID: 35346344, PMCID: PMC8962531

Color Diagnostics, LLC DBA Color Health
Classification: Likely benign for Cardiomyopathy. Last evaluated: 2019-10-01. Review status: criteria provided, single submitter. Criteria: ACMG Guidelines, 2015. Collection method: clinical testing. Allele origin: germline.

Ambry Genetics
Classification: Likely benign for Cardiovascular phenotype. Last evaluated: 2018-02-13. Review status: criteria provided, single submitter. Criteria: Ambry Variant Classification Scheme 2023. Collection method: clinical testing. Allele origin: germline.

PreventionGenetics, part of Exact Sciences
Classification: Likely benign for RYR2-related condition. Last evaluated: 2019-04-15. Review status: no assertion criteria provided. Collection method: clinical testing. Allele origin: germline. Not counted in ClinVar's aggregate classification.
Comment: This variant is classified as likely benign based on ACMG/AMP sequence variant interpretation guidelines (Richards et al. 2015 PMID: 25741868, with internal and published modifications).

NM_001035.3(RYR2):c.2130C>T (p.Gly710=)

Gene: RYR2 (ryanodine receptor 2; plus strand). Cytogenetic location: 1q43.
Variant type: single nucleotide variant.
Coding change: c.2130C>T on transcript NM_001035.3 (MANE Select); coding-DNA position 2130, C replaced by T.
Protein change: p.Gly710=; no amino-acid change (glycine 710 retained).
Molecular consequence: synonymous variant.
Genome position (GRCh38, 1-based): chr1:237,496,679, C>T. VCF-style: chr1-237496679-C-T. GRCh37 (hg19) VCF-style: chr1-237659979-C-T.
Identifiers: ClinVar variation 724931 (VCV000724931.50), dbSNP rs536694711, ClinGen allele CA085958.